The following is an entry in ClinVar:

NM_001113378.2(FANCI):c.1294-8C>T

Gene: FANCI (FA complementation group I; plus strand). Cytogenetic location: 15q26.1.
Variant type: single nucleotide variant.
Coding change: c.1294-8C>T on transcript NM_001113378.2 (MANE Select); 8 bases into the intron before coding-DNA position 1294, C replaced by T.
Molecular consequence: intron variant.
Genome position (GRCh38, 1-based): chr15:89,278,679, C>T. VCF-style: chr15-89278679-C-T. GRCh37 (hg19) VCF-style: chr15-89821910-C-T.
Other names: c.1294-8C>T (NM_018193.3, NM_001376911.1); c.1015-8C>T (NM_001376910.1).
Identifiers: ClinVar variation 317274 (VCV000317274.22), dbSNP rs16942931, ClinGen allele CA7722977.
Genomic context (GRCh38, chr15:89,278,679, plus strand): 5'-ACATGCATTGATATACTTAAAAGCTGAAGGGTCACCCAGGAATATTTTATTTATTCTGTT[C>T]TTTTTAGATCCATGAGATGATCAGACAAGAAATTTTGGAGCAGGTCCTCAACAGGGTTGT-3'

ClinVar aggregate classification (germline): Benign/Likely benign. Review status: criteria provided, multiple submitters, no conflicts (2 of 4 stars). 7 submissions from 7 submitters: Benign (6); Likely benign (1). Last evaluated 2026-02-02.

Conditions:
Fanconi anemia complementation group I (FANCI). Also called: FANCI-Related Fanconi Anemia. Identifiers: Orphanet 84, MedGen C1836861, MONDO:0012186, OMIM 609053.
Fanconi anemia (FA). Also called: Fanconi's anemia. Identifiers: Orphanet 84, MedGen C0015625, MeSH D005199, MONDO:0019391.

Allele frequency attached by ClinVar (database versions not stated): gnomAD exomes 0.00818; ExAC 0.00988; gnomAD 0.03088 and 0.03299; 1000 Genomes Project 0.03295; ESP Exome Variant Server 0.03416; 1000 Genomes Project 30x 0.03435; TOPMed 0.03561.
gnomAD v4.1: 9,862 of 1,608,936 alleles (0.61%); highest among the groups gnomAD compares: African/African-American, 10%; 460 homozygotes.

Submissions (7):

Labcorp Genetics (formerly Invitae), Labcorp
Classification: Benign for Fanconi anemia. Last evaluated: 2026-02-02. Review status: criteria provided, single submitter. Criteria: Invitae Variant Classification Sherloc (09022015). Collection method: clinical testing. Allele origin: germline.

ARUP Laboratories, Molecular Genetics and Genomics, ARUP Laboratories
Classification: Benign for Fanconi anemia complementation group I. Last evaluated: 2025-05-21. Review status: criteria provided, single submitter. Criteria: ARUP Molecular Germline Variant Investigation Process 2024. Collection method: clinical testing. Allele origin: germline.

Blueprint Genetics
Classification: Likely benign. Last evaluated: 2024-11-27. Review status: criteria provided, single submitter. Criteria: ACMG Guidelines, 2015. Collection method: clinical testing. Allele origin: germline.

KCCC/NGS Laboratory, Kuwait Cancer Control Center
Classification: Benign for Fanconi anemia complementation group I. Last evaluated: 2023-07-07. Review status: criteria provided, single submitter. Criteria: ACMG Guidelines, 2015. Collection method: clinical testing. Allele origin: germline. Affected: yes.

GeneDx
Classification: Benign. Last evaluated: 2018-07-05. Review status: criteria provided, single submitter. Criteria: GeneDx Variant Classification Process June 2021. Collection method: clinical testing. Allele origin: germline. Affected: yes.

Illumina Laboratory Services, Illumina
Classification: Benign for Fanconi anemia complementation group I. Last evaluated: 2018-01-13. Review status: criteria provided, single submitter. Criteria: ICSL Variant Classification Criteria 13 December 2019. Collection method: clinical testing. Allele origin: germline.
Comment: This variant was observed in the ICSL laboratory as part of a predisposition screen in an ostensibly healthy population. It had not been previously curated by ICSL or reported in the Human Gene Mutation Database (HGMD: prior to June 1st, 2018), and was therefore a candidate for classification through an automated scoring system. Utilizing variant allele frequency, disease prevalence and penetrance estimates, and inheritance mode, an automated score was calculated to assess if this variant is too frequent to cause the disease. Based on the score and internal cut-off values, a variant classified as benign is not then subjected to further curation. The score for this variant resulted in a classification of benign for this disease.

Breakthrough Genomics
Classification: Benign. Review status: criteria provided, single submitter. Criteria: ACMG Guidelines, 2015. Collection method: not provided. Allele origin: germline. Inheritance: Autosomal recessive inheritance. Affected: yes.